The following is an entry in ClinVar:

NM_174936.4(PCSK9):c.1112C>T (p.Ala371Val)

Gene: PCSK9 (proprotein convertase subtilisin/kexin type 9; plus strand). Cytogenetic location: 1p32.3.
Variant type: single nucleotide variant.
Coding change: c.1112C>T on transcript NM_174936.4 (MANE Select); coding-DNA position 1112, C replaced by T.
Protein change: p.Ala371Val; replaces alanine 371 with valine.
Molecular consequence: missense variant. On other transcripts: non-coding transcript variant (8).
Genome position (GRCh38, 1-based): chr1:55,057,446, C>T. VCF-style: chr1-55057446-C-T. GRCh37 (hg19) VCF-style: chr1-55523119-C-T.
Other names: c.1235C>T, p.Ala412Val (NM_001407240.1); c.1112C>T, p.Ala371Val (NM_001407241.1, NM_001407244.1, NM_001407247.1); c.1115C>T, p.Ala372Val (NM_001407242.1); c.1055C>T, p.Ala352Val (NM_001407243.1); c.920C>T, p.Ala307Val (NM_001407245.1); c.737C>T, p.Ala246Val (NM_001407246.1); short protein forms A372V, A307V, A371V, A412V, A246V, A352V.
Identifiers: ClinVar variation 5008060 (VCV005008060.1).

ClinVar aggregate classification (germline): Uncertain significance (1 of 4 stars; one submission).

gnomAD v4.1: 1 of 1,614,106 alleles (0.000062%); highest among the groups gnomAD compares: East Asian, 0.0022%; no homozygotes.

Submission:

GeneDx
Classification: Uncertain significance. Last evaluated: 2026-02-25. Review status: criteria provided, single submitter. Criteria: GeneDx Variant Classification Process June 2021. Collection method: clinical testing. Allele origin: germline.
Comment: Not observed at significant frequency in large population cohorts (gnomAD); In silico analysis supports that this missense variant has a deleterious effect on protein structure/function; Has not been previously published as pathogenic or benign to our knowledge